The following is an entry in ClinVar:

NM_001277115.2(DNAH11):c.13459G>A (p.Gly4487Ser)

Genes: CDCA7L (cell division cycle associated 7 like; minus strand), DNAH11 (dynein axonemal heavy chain 11; plus strand). Cytogenetic location: 7p15.3.
Variant type: single nucleotide variant.
Coding change: c.13459G>A on transcript NM_001277115.2 (MANE Select); coding-DNA position 13459, G replaced by A.
Protein change: p.Gly4487Ser; replaces glycine 4487 with serine.
Molecular consequence: missense variant. On other transcripts: 3 prime UTR variant (3).
Genome position (GRCh38, 1-based): chr7:21,901,162, G>A. VCF-style: chr7-21901162-G-A. GRCh37 (hg19) VCF-style: chr7-21940780-G-A.
Other names: c.*1160C>T (NM_001127370.3, NM_001127371.3, NM_018719.5); short protein forms G4487S.
Identifiers: ClinVar variation 4527180 (VCV004527180.1).

ClinVar aggregate classification (germline): Uncertain significance (1 of 4 stars; one submission).

gnomAD v4.1: 2 of 1,613,890 alleles (0.00012%); highest among the groups gnomAD compares: Non-Finnish European, 0.00017%; no homozygotes.

Submission:

GeneDx
Classification: Uncertain significance. Last evaluated: 2025-04-21. Review status: criteria provided, single submitter. Criteria: GeneDx Variant Classification Process June 2021. Collection method: clinical testing. Allele origin: germline. Affected: yes.
Comment: Not observed at significant frequency in large population cohorts (gnomAD); In silico analysis supports that this missense variant has a deleterious effect on protein structure/function; Has not been previously published as pathogenic or benign to our knowledge